The following is an entry in ClinVar:

ClinVar aggregate classification (germline): Benign. Review status: criteria provided, multiple submitters, no conflicts (2 of 4 stars). 3 submissions from 3 submitters: Benign (3). Last evaluated 2024-07-15.

Allele frequency attached by ClinVar (database versions not stated): 1000 Genomes Project 0.10942; 1000 Genomes Project 30x 0.10962; TOPMed 0.14324; gnomAD 0.14774 and 0.14811; gnomAD exomes 0.18622.
gnomAD v4.1: 292,836 of 1,610,522 alleles (18%); highest among the groups gnomAD compares: South Asian, 23%; 28,959 homozygotes.

Submissions (3):

Unidad de Genómica Garrahan, Hospital de Pediatría Garrahan
Classification: Benign. Last evaluated: 2024-07-15. Review status: criteria provided, single submitter. Criteria: ACMG Guidelines, 2015. Collection method: clinical testing. Allele origin: germline. Affected: no. Observed: 24 variant alleles.
Comment: This variant is classified as Benign based on local population frequency. This variant was detected in 26% of patients studied in a panel designed for Epileptic and Developmental Encephalopathy and Progressive Myoclonus Epilepsy. Number of patients: 24. Only high quality variants are reported.

GeneDx
Classification: Benign. Last evaluated: 2018-06-19. Review status: criteria provided, single submitter. Criteria: GeneDx Variant Classification (06012015). Collection method: clinical testing. Allele origin: germline. Affected: yes.
Comment: This variant is considered likely benign or benign based on one or more of the following criteria: it is a conservative change, it occurs at a poorly conserved position in the protein, it is predicted to be benign by multiple in silico algorithms, and/or has population frequency not consistent with disease.

Breakthrough Genomics
Classification: Benign. Review status: criteria provided, single submitter. Criteria: ACMG Guidelines, 2015. Collection method: not provided. Allele origin: germline. Inheritance: Autosomal dominant inheritance. Affected: yes.

NM_020822.3(KCNT1):c.3587+63T>C

Gene: KCNT1 (potassium sodium-activated channel subfamily T member 1; plus strand). Cytogenetic location: 9q34.3.
Variant type: single nucleotide variant.
Coding change: c.3587+63T>C on transcript NM_020822.3 (MANE Select); 63 bases into the intron after coding-DNA position 3587, T replaced by C.
Molecular consequence: intron variant.
Genome position (GRCh38, 1-based): chr9:135,791,944, T>C. VCF-style: chr9-135791944-T-C. GRCh37 (hg19) VCF-style: chr9-138683790-T-C.
Other names: c.3515+63T>C (NM_001272003.2).
Identifiers: ClinVar variation 682429 (VCV000682429.4), dbSNP rs41306389, ClinGen allele CA13060540.